The following is an entry in ClinVar:

ClinVar aggregate classification (germline): Conflicting classifications of pathogenicity. Review status: criteria provided, conflicting classifications (1 of 4 stars). 5 submissions from 5 submitters: Uncertain significance (1); Likely benign (4). Last evaluated 2026-07-30.

Conditions:
Choanal atresia-athelia-hypothyroidism-delayed puberty-short stature syndrome (BCAHH). Also called: BRANCHIAL ARCH ABNORMALITIES, CHOANAL ATRESIA, ATHELIA, HEARING LOSS, AND HYPOTHYROIDISM SYNDROME. Identifiers: Orphanet 589856, MedGen C5680310, MONDO:0035651, OMIM 620186.
Kabuki syndrome 1 (KABUK1). Also called: KMT2D-Related Kabuki Syndrome. Identifiers: Orphanet 2322, MedGen CN030661, MONDO:0007843, OMIM 147920.
Kabuki syndrome. Also called: NIIKAWA-KUROKI SYNDROME; Kabuki make-up syndrome. Identifiers: Orphanet 2322, MedGen C0796004, MONDO:0016512.
KMT2D-related disorder. Also called: KMT2D-Related Disorders.

Allele frequency attached by ClinVar (database versions not stated): ExAC 0.00002; gnomAD exomes 0.00002; TOPMed 0.00003; gnomAD 0.00005.
gnomAD v4.1: 45 of 1,607,302 alleles (0.0028%); highest among the groups gnomAD compares: Middle Eastern, 0.016%; no homozygotes.

Submissions (5):

PreventionGenetics, part of Exact Sciences
Classification: Likely benign for KMT2D-related condition. Last evaluated: 2026-07-30. Review status: criteria provided, single submitter. Criteria: ACMG Guidelines, 2015. Collection method: clinical testing. Allele origin: germline.
Comment: This variant is classified as likely benign based on ACMG/AMP sequence variant interpretation guidelines (Richards et al. 2015 PMID: 25741868, with internal and published modifications).

Fulgent Genetics
Classification: Likely benign for Kabuki syndrome 1; Choanal atresia-athelia-hypothyroidism-delayed puberty-short stature syndrome. Last evaluated: 2024-06-17. Review status: criteria provided, single submitter. Criteria: ACMG Guidelines, 2015. Collection method: clinical testing. Allele origin: germline.

Labcorp Genetics (formerly Invitae), Labcorp
Classification: Likely benign for Kabuki syndrome. Last evaluated: 2024-02-02. Review status: criteria provided, single submitter. Criteria: Invitae Variant Classification Sherloc (09022015). Collection method: clinical testing. Allele origin: germline.

CeGaT Center for Human Genetics Tuebingen
Classification: Likely benign. Last evaluated: 2023-03-01. Review status: criteria provided, single submitter. Criteria: CeGaT Center For Human Genetics Tuebingen Variant Classification Criteria Version 2. Collection method: clinical testing. Allele origin: germline. Affected: yes. Observed: 2 variant alleles.
Comment: KMT2D: PP2, BP4, BS2

Blueprint Genetics
Classification: Uncertain significance. Last evaluated: 2023-02-15. Review status: criteria provided, single submitter. Criteria: ACMG Guidelines, 2015. Collection method: clinical testing. Allele origin: germline.

NM_003482.4(KMT2D):c.4007T>C (p.Ile1336Thr)

Genes: KMT2D (lysine methyltransferase 2D; minus strand), LOC126861520 (CDK7 strongly-dependent group 2 enhancer GRCh37_chr12:49442744-49443943; plus strand). Cytogenetic location: 12q13.12.
Variant type: single nucleotide variant.
Coding change: c.4007T>C on transcript NM_003482.4 (MANE Select); coding-DNA position 4007, T replaced by C.
Protein change: p.Ile1336Thr; replaces isoleucine 1336 with threonine.
Molecular consequence: missense variant.
Genome position (GRCh38, 1-based): chr12:49,049,118, A>G on the plus strand (T>C on the coding strand, the complement: KMT2D is on the minus strand). VCF-style: chr12-49049118-A-G. GRCh37 (hg19) VCF-style: chr12-49442901-A-G.
Other names: short protein forms I1336T.
Identifiers: ClinVar variation 2642959 (VCV002642959.30), dbSNP rs775035507, ClinGen allele CA6547926.